The following is an entry in ClinVar:

NM_002529.4(NTRK1):c.1438G>T (p.Glu480Ter)

Gene: NTRK1 (neurotrophic receptor tyrosine kinase 1; plus strand). Cytogenetic location: 1q23.1.
Variant type: single nucleotide variant.
Coding change: c.1438G>T on transcript NM_002529.4 (MANE Select); coding-DNA position 1438, G replaced by T.
Protein change: p.Glu480Ter; replaces glutamic acid 480 with a stop codon.
Molecular consequence: nonsense.
Genome position (GRCh38, 1-based): chr1:156,875,603, G>T. VCF-style: chr1-156875603-G-T. GRCh37 (hg19) VCF-style: chr1-156845395-G-T.
Other names: c.1330G>T, p.Glu444Ter (NM_001007792.1); c.1420G>T, p.Glu474Ter (NM_001012331.2); short protein forms E474*, E444*, E480*.
Identifiers: ClinVar variation 1451941 (VCV001451941.6), dbSNP rs139731614, ClinGen allele CA342937464.
Genomic context (GRCh38, chr1:156,875,603, plus strand): 5'-GATGGGCTGGCCATGTCCCTGCATTTCATGACATTGGGTGGCAGCTCCCTGTCCCCCACC[G>T]AGGGCAAAGGCTCTGGGCTCCAAGGCCACATCATCGAGAACCCACAATACTTCAGTGATG-3'

ClinVar aggregate classification (germline): Pathogenic (1 of 4 stars; one submission).

Conditions:
Hereditary insensitivity to pain with anhidrosis (CIPA). Also called: NEUROPATHY, CONGENITAL SENSORY, WITH ANHIDROSIS; FAMILIAL DYSAUTONOMIA, TYPE II; hereditary sensory and autonomic neuropathy type 4; NTRK1 Congenital Insensitivity to Pain with Anhidrosis; INSENSITIVITY TO PAIN, CONGENITAL, WITH ANHIDROSIS; HSAN Type IV. Identifiers: Orphanet 642, MedGen C0020074, MONDO:0009746, OMIM 256800.

Submission:

Labcorp Genetics (formerly Invitae), Labcorp
Classification: Pathogenic for Hereditary insensitivity to pain with anhidrosis. Last evaluated: 2021-05-11. Review status: criteria provided, single submitter. Criteria: Invitae Variant Classification Sherloc (09022015). Collection method: clinical testing. Allele origin: germline.
Comment: This variant is not present in population databases (ExAC no frequency). For these reasons, this variant has been classified as Pathogenic. This variant has not been reported in the literature in individuals with NTRK1-related conditions. This sequence change creates a premature translational stop signal (p.Glu474*) in the NTRK1 gene. It is expected to result in an absent or disrupted protein product. Loss-of-function variants in NTRK1 are known to be pathogenic (PMID: 10982191).

Literature cited by the submitters: PubMed 10982191.